The following is an entry in ClinVar:

NM_021625.5(TRPV4):c.1513A>G (p.Thr505Ala)

Gene: TRPV4 (transient receptor potential cation channel subfamily V member 4; minus strand). Cytogenetic location: 12q24.11.
Variant type: single nucleotide variant.
Coding change: c.1513A>G on transcript NM_021625.5 (MANE Select); coding-DNA position 1513, A replaced by G.
Protein change: p.Thr505Ala; replaces threonine 505 with alanine.
Molecular consequence: missense variant.
Genome position (GRCh38, 1-based): chr12:109,794,001, T>C on the plus strand (A>G on the coding strand, the complement: TRPV4 is on the minus strand). VCF-style: chr12-109794001-T-C. GRCh37 (hg19) VCF-style: chr12-110231806-T-C.
Other names: c.1411A>G, p.Thr471Ala (NM_001177431.2); c.1192A>G, p.Thr398Ala (NM_001177433.2); c.1333A>G, p.Thr445Ala (NM_147204.3); c.1372A>G, p.Thr458Ala (NM_001177428.2); short protein forms T505A, T398A, T445A, T458A, T471A.
Identifiers: ClinVar variation 2814374 (VCV002814374.3), dbSNP rs1406474774, ClinGen allele CA386652321.
Genomic context (GRCh38, chr12:109,794,001, plus strand): 5'-AGAACAGGACCCCAGTGAAGAGCGTAATGACCTCGCCAGCCAGCCGCAGGTAGTCCACCG[T>C]GGTGCGGTAAGGGTACGGCGGCTGGGGAGCAGCAAGGGCACACAGGTCGTCACCCAGCCC-3'
Protein context (NP_067638.3, residues 495-515): EGTPPYPYRT[Thr505Ala]VDYLRLAGEV

ClinVar aggregate classification (germline): Uncertain significance (1 of 4 stars; one submission).

Conditions:
Charcot-Marie-Tooth disease axonal type 2C (HMSN2C). Also called: CHARCOT-MARIE-TOOTH DISEASE, AXONAL, AUTOSOMAL DOMINANT, TYPE 2C; Charcot-Marie-Tooth Neuropathy Type 2C; Charcot-Marie-Tooth Disease Type 2, TRPV4-Related (CMT2C). Identifiers: Orphanet 99937, MedGen C1853710, MONDO:0011633, OMIM 606071.

Allele frequency attached by ClinVar (database versions not stated): gnomAD 0.00001.
gnomAD v4.1: 2 of 1,609,296 alleles (0.00012%); highest among the groups gnomAD compares: East Asian, 0.0022%; no homozygotes.

Submission:

Labcorp Genetics (formerly Invitae), Labcorp
Classification: Uncertain significance for Charcot-Marie-Tooth disease axonal type 2C. Last evaluated: 2022-11-15. Review status: criteria provided, single submitter. Criteria: Invitae Variant Classification Sherloc (09022015). Collection method: clinical testing. Allele origin: germline.
Comment: This sequence change replaces threonine, which is neutral and polar, with alanine, which is neutral and non-polar, at codon 505 of the TRPV4 protein (p.Thr505Ala). In summary, the available evidence is currently insufficient to determine the role of this variant in disease. Therefore, it has been classified as a Variant of Uncertain Significance. Advanced modeling of protein sequence and biophysical properties (such as structural, functional, and spatial information, amino acid conservation, physicochemical variation, residue mobility, and thermodynamic stability) performed at Invitae indicates that this missense variant is not expected to disrupt TRPV4 protein function. This variant has not been reported in the literature in individuals affected with TRPV4-related conditions. The frequency data for this variant in the population databases is considered unreliable, as metrics indicate poor data quality at this position in the gnomAD database.